The following is an entry in ClinVar:

ClinVar aggregate classification (germline): Benign. Review status: criteria provided, multiple submitters, no conflicts (2 of 4 stars). 3 submissions from 3 submitters: Benign (2). 1 of the submissions does not count toward it. Last evaluated 2026-01-08.

Conditions:
FBN3-related disorder. Also called: FBN3-related condition.

Allele frequency attached by ClinVar (database versions not stated): gnomAD exomes 0.00042 and 0.00098; ExAC 0.00273; ESP Exome Variant Server 0.00362; 1000 Genomes Project 0.00459; gnomAD 0.00460 and 0.00499; TOPMed 0.00533; 1000 Genomes Project 30x 0.00547.
gnomAD v4.1: 1,321 of 1,580,962 alleles (0.084%); highest among the groups gnomAD compares: African/African-American, 1.6%; 15 homozygotes.

Submissions (3):

Labcorp Genetics (formerly Invitae), Labcorp
Classification: Benign. Last evaluated: 2026-01-08. Review status: criteria provided, single submitter. Criteria: Invitae Variant Classification Sherloc (09022015). Collection method: clinical testing. Allele origin: germline.

Breakthrough Genomics
Classification: Benign. Review status: criteria provided, single submitter. Criteria: ACMG Guidelines, 2015. Collection method: not provided. Allele origin: germline. Inheritance: Unknown mechanism. Affected: yes.

PreventionGenetics, part of Exact Sciences
Classification: Benign for FBN3-related condition. Last evaluated: 2019-05-02. Review status: no assertion criteria provided. Collection method: clinical testing. Allele origin: germline. Not counted in ClinVar's aggregate classification.
Comment: This variant is classified as benign based on ACMG/AMP sequence variant interpretation guidelines (Richards et al. 2015 PMID: 25741868, with internal and published modifications).

NM_032447.5(FBN3):c.7057C>T (p.His2353Tyr)

Gene: FBN3 (fibrillin 3; minus strand). Cytogenetic location: 19p13.2.
Variant type: single nucleotide variant.
Coding change: c.7057C>T on transcript NM_032447.5 (MANE Select); coding-DNA position 7057, C replaced by T.
Protein change: p.His2353Tyr; replaces histidine 2353 with tyrosine.
Molecular consequence: missense variant.
Genome position (GRCh38, 1-based): chr19:8,085,393, G>A on the plus strand (C>T on the coding strand, the complement: FBN3 is on the minus strand). VCF-style: chr19-8085393-G-A. GRCh37 (hg19) VCF-style: chr19-8150277-G-A.
Other names: c.7057C>T, p.His2353Tyr (NM_001321431.2); c.7057C>T (NM_001321431.1); short protein forms H2353Y.
Identifiers: ClinVar variation 710678 (VCV000710678.12), dbSNP rs115491028, ClinGen allele CA9151018.